The following is an entry in ClinVar:

ClinVar aggregate classification (germline): Pathogenic/Likely pathogenic. Review status: criteria provided, multiple submitters, no conflicts (2 of 4 stars). 4 submissions from 4 submitters: Pathogenic (1); Likely pathogenic (3). Last evaluated 2026-07-24.

Conditions:
Hereditary cancer-predisposing syndrome. Also called: Neoplastic Syndromes, Hereditary; Hereditary Cancer Syndrome; Tumor predisposition; Hereditary neoplastic syndrome. Identifiers: Orphanet 140162, MedGen C0027672, MeSH D009386, MONDO:0015356.
Familial adenomatous polyposis 1 (FAP1). Also called: FAMILIAL ADENOMATOUS POLYPOSIS 1, ATTENUATED; POLYPOSIS, ADENOMATOUS INTESTINAL. Identifiers: MedGen C2713442, MONDO:0021056, OMIM 175100. Disease mechanism: loss of function.

Submissions (4):

Ambry Genetics
Classification: Pathogenic for Hereditary cancer-predisposing syndrome. Last evaluated: 2026-07-24. Review status: criteria provided, single submitter. Criteria: Ambry Variant Classification Scheme 2023. Collection method: clinical testing. Allele origin: germline.
Comment: The c.834G>A pathogenic mutation (also known as p.Q278Q), located in coding exon 7 of the APC gene, results from a G to A substitution at nucleotide position 834. This nucleotide substitution does not change the glutamine at codon 278. This variant was reported in individuals with features consistent with familial adenomatous polyposis (Ambry internal data; Friedl W et al. Hered Cancer Clin Pract 2005; 3(3):95-114; Kerr SE et al. J Mol Diagn 2013 Jan; 15(1):31-43). This nucleotide position is highly conserved in available vertebrate species. In silico splice site analysis predicts that this alteration may weaken the native splice donor site and will result in the creation or strengthening of a novel splice donor site. RNA studies have demonstrated that this variant results in abnormal splicing in the set of samples tested (Ambry internal data). This variant is considered to be rare based on population cohorts in the Genome Aggregation Database (gnomAD). Based on the supporting evidence, this alteration is interpreted as a disease-causing mutation.

Baylor Genetics
Classification: Likely pathogenic for Familial adenomatous polyposis 1. Last evaluated: 2024-03-22. Review status: criteria provided, single submitter. Criteria: ACMG Guidelines, 2015. Collection method: clinical testing. Allele origin: unknown.

Institute of Medical Genetics and Applied Genomics, University Hospital Tübingen
Classification: Likely pathogenic. Last evaluated: 2020-10-23. Review status: criteria provided, single submitter. Criteria: ACMG Guidelines, 2015. Collection method: clinical testing. Allele origin: germline. Inheritance: Autosomal dominant inheritance. Affected: yes.

Labcorp Genetics (formerly Invitae), Labcorp
Classification: Likely pathogenic for Familial adenomatous polyposis 1. Last evaluated: 2019-05-12. Review status: criteria provided, single submitter. Criteria: Invitae Variant Classification Sherloc (09022015). Collection method: clinical testing. Allele origin: germline.
Comment: A different variant affecting this nucleotide (c.834G>C) has been determined to be pathogenic (PMID: 18433509). This suggests that this nucleotide is important for normal RNA splicing, and that other variants at this position may also be pathogenic. Nucleotide substitutions within the consensus splice site are a relatively common cause of aberrant splicing (PMID: 17576681, 9536098). Algorithms developed to predict the effect of sequence changes on RNA splicing suggest that this variant may disrupt the consensus splice site, but this prediction has not been confirmed by published transcriptional studies. This variant has been observed in individuals and families affected with familial adenomatous polyposis (PMID: 20223039, 23159591, Invitae). ClinVar contains an entry for this variant (Variation ID: 411344). This variant is not present in population databases (ExAC no frequency). This sequence change affects codon 278 of the APC mRNA. It is a 'silent' change, meaning that it does not change the encoded amino acid sequence of the APC protein. This variant also falls at the last nucleotide of exon 8 of the APC coding sequence, which is part of the consensus splice site for this exon. In summary, the currently available evidence indicates that the variant is pathogenic, but additional data are needed to prove that conclusively. Therefore, this variant has been classified as Likely Pathogenic.

Literature cited by the submitters: PubMed 18433509 (cited by Ambry Genetics and Labcorp Genetics (formerly Invitae), Labcorp); PubMed 20223039 (cited by Ambry Genetics and Labcorp Genetics (formerly Invitae), Labcorp); PubMed 23159591 (cited by Ambry Genetics and Labcorp Genetics (formerly Invitae), Labcorp); PubMed 17576681 (cited by Labcorp Genetics (formerly Invitae), Labcorp); PubMed 9536098 (cited by Labcorp Genetics (formerly Invitae), Labcorp).

NM_000038.6(APC):c.834G>A (p.Gln278=)

Gene: APC (APC regulator of Wnt signaling pathway; plus strand). Cytogenetic location: 5q22.2.
Variant type: single nucleotide variant.
Coding change: c.834G>A on transcript NM_000038.6 (MANE Select); coding-DNA position 834, G replaced by A.
Protein change: p.Gln278=; no amino-acid change (glutamine 278 retained).
Molecular consequence: synonymous variant. On other transcripts: 5 prime UTR variant (1).
Genome position (GRCh38, 1-based): chr5:112,801,383, G>A. VCF-style: chr5-112801383-G-A. GRCh37 (hg19) VCF-style: chr5-112137080-G-A.
Other names: c.834G>A, p.Gln278= (NM_001127510.3, NM_001354895.2, NM_001354896.2 and 1 more transcripts); c.780G>A, p.Gln260= (NM_001127511.3); c.864G>A, p.Gln288= (NM_001354897.2, NM_001354902.2); c.759G>A, p.Gln253= (NM_001354898.2, NM_001354904.2); c.750G>A, p.Gln250= (NM_001354899.2); c.657G>A, p.Gln219= (NM_001354900.2, NM_001354901.2, NM_001354905.2); c.-202G>A (NM_001354906.2).
Identifiers: ClinVar variation 411344 (VCV000411344.21), dbSNP rs1060503261, ClinGen allele CA16611754.